The following is an entry in ClinVar:

NM_001042475.3(CEP85L):c.316A>G (p.Asn106Asp)

Gene: CEP85L (centrosomal protein 85 like; minus strand). Cytogenetic location: 6q22.31.
Variant type: single nucleotide variant.
Coding change: c.316A>G on transcript NM_001042475.3 (MANE Select); coding-DNA position 316, A replaced by G.
Protein change: p.Asn106Asp; replaces asparagine 106 with aspartic acid.
Molecular consequence: missense variant.
Genome position (GRCh38, 1-based): chr6:118,566,233, T>C on the plus strand (A>G on the coding strand, the complement: CEP85L is on the minus strand). VCF-style: chr6-118566233-T-C. GRCh37 (hg19) VCF-style: chr6-118887396-T-C.
Other names: c.325A>G, p.Asn109Asp (NM_001178035.2); c.316A>G, p.Asn106Asp (NM_206921.3); short protein forms N106D, N109D.
Identifiers: ClinVar variation 1723546 (VCV001723546.2), dbSNP rs2534377297, ClinGen allele CA365550189.

ClinVar aggregate classification (germline): Uncertain significance (1 of 4 stars; one submission).

Submission:

GeneDx
Classification: Uncertain significance. Last evaluated: 2022-05-12. Review status: criteria provided, single submitter. Criteria: GeneDx Variant Classification Process June 2021. Collection method: clinical testing. Allele origin: germline. Affected: yes.
Comment: Not observed at significant frequency in large population cohorts (gnomAD); In silico analysis supports that this missense variant does not alter protein structure/function; Has not been previously published as pathogenic or benign to our knowledge